The following is an entry in ClinVar:

ClinVar aggregate classification (germline): Benign/Likely benign. Review status: criteria provided, multiple submitters, no conflicts (2 of 4 stars). 8 submissions from 8 submitters: Benign (4); Likely benign (3). 1 of the submissions does not count toward it. Last evaluated 2026-02-03.

Conditions:
CDKN1B-related disorder. Also called: CDKN1B-related condition.
Hereditary cancer-predisposing syndrome. Also called: Hereditary neoplastic syndrome; Tumor predisposition; Neoplastic Syndromes, Hereditary; Hereditary Cancer Syndrome. Identifiers: Orphanet 140162, MedGen C0027672, MeSH D009386, MONDO:0015356.
Multiple endocrine neoplasia type 4. Also called: MULTIPLE ENDOCRINE NEOPLASIA, TYPE IV. Identifiers: Orphanet 276152, MedGen C1970712, MONDO:0012552, OMIM 610755.

Allele frequency attached by ClinVar (database versions not stated): gnomAD exomes 0.00012; 1000 Genomes Project 30x 0.00016; ExAC 0.00017; 1000 Genomes Project 0.00020; ESP Exome Variant Server 0.00038; TOPMed 0.00051; gnomAD 0.00064.
gnomAD v4.1: 146 of 1,614,126 alleles (0.009%); highest among the groups gnomAD compares: African/African-American, 0.18%; no homozygotes.

Submissions (8):

Labcorp Genetics (formerly Invitae), Labcorp
Classification: Benign for Multiple endocrine neoplasia type 4. Last evaluated: 2026-02-03. Review status: criteria provided, single submitter. Criteria: Invitae Variant Classification Sherloc (09022015). Collection method: clinical testing. Allele origin: germline.

Quest Diagnostics Nichols Institute San Juan Capistrano
Classification: Benign. Last evaluated: 2025-09-17. Review status: criteria provided, single submitter. Criteria: Quest Diagnostics criteria. Collection method: clinical testing. Allele origin: unknown.

CeGaT Center for Human Genetics Tuebingen
Classification: Likely benign. Last evaluated: 2025-03-01. Review status: criteria provided, single submitter. Criteria: CeGaT Center For Human Genetics Tuebingen Variant Classification Criteria Version 2. Collection method: clinical testing. Allele origin: germline. Affected: yes. Observed: 1 variant allele.
Comment: CDKN1B: BP4, BP7

Blueprint Genetics
Classification: Likely benign. Last evaluated: 2024-09-23. Review status: criteria provided, single submitter. Criteria: ACMG Guidelines, 2015. Collection method: clinical testing. Allele origin: germline.

KCCC/NGS Laboratory, Kuwait Cancer Control Center
Classification: Benign for Multiple endocrine neoplasia type 4. Last evaluated: 2023-07-07. Review status: criteria provided, single submitter. Criteria: ACMG Guidelines, 2015. Collection method: clinical testing. Allele origin: germline. Affected: yes.

Sema4
Classification: Benign for Hereditary cancer-predisposing syndrome. Last evaluated: 2021-07-01. Review status: criteria provided, single submitter. Criteria: Sema4 Curation Guidelines. Collection method: curation. Allele origin: germline.

Ambry Genetics
Classification: Likely benign for Hereditary cancer-predisposing syndrome. Last evaluated: 2016-12-12. Review status: criteria provided, single submitter. Criteria: Ambry Variant Classification Scheme 2023. Collection method: clinical testing. Allele origin: germline.

PreventionGenetics, part of Exact Sciences
Classification: Likely benign for CDKN1B-related condition. Last evaluated: 2019-10-10. Review status: no assertion criteria provided. Collection method: clinical testing. Allele origin: germline. Not counted in ClinVar's aggregate classification.
Comment: This variant is classified as likely benign based on ACMG/AMP sequence variant interpretation guidelines (Richards et al. 2015 PMID: 25741868, with internal and published modifications).

NM_004064.5(CDKN1B):c.543C>G (p.Ala181=)

Gene: CDKN1B (cyclin dependent kinase inhibitor 1B; plus strand). Cytogenetic location: 12p13.1.
Variant type: single nucleotide variant.
Coding change: c.543C>G on transcript NM_004064.5 (MANE Select); coding-DNA position 543, C replaced by G.
Protein change: p.Ala181=; no amino-acid change (alanine 181 retained).
Molecular consequence: synonymous variant.
Genome position (GRCh38, 1-based): chr12:12,718,892, C>G. VCF-style: chr12-12718892-C-G. GRCh37 (hg19) VCF-style: chr12-12871826-C-G.
Identifiers: ClinVar variation 469030 (VCV000469030.28), dbSNP rs140177202, ClinGen allele CA6457566.